The following is an entry in ClinVar:

ClinVar aggregate classification (germline): Uncertain significance (1 of 4 stars; one submission).

Conditions:
Epilepsy, idiopathic generalized, susceptibility to, 13. Also called: EPILEPSY, JUVENILE MYOCLONIC, SUSCEPTIBILITY TO, 5. Identifiers: Orphanet 307, Orphanet 64280, MedGen C4013473, MONDO:0012627, OMIM 611136.
Idiopathic generalized epilepsy. Also called: EIG; Generalised epilepsy. Identifiers: MedGen C0270850, MONDO:0005579, OMIM 600669.
Epilepsy, childhood absence 4 (ECA4). Also called: EPILEPSY, CHILDHOOD ABSENCE, SUSCEPTIBILITY TO, 4. Identifiers: Orphanet 307, MedGen C1970160.

Submission:

Labcorp Genetics (formerly Invitae), Labcorp
Classification: Uncertain significance for Epilepsy, childhood absence 4; Epilepsy, idiopathic generalized, susceptibility to, 13; Idiopathic generalized epilepsy. Last evaluated: 2023-08-31. Review status: criteria provided, single submitter. Criteria: Invitae Variant Classification Sherloc (09022015). Collection method: clinical testing. Allele origin: germline.
Comment: In summary, the available evidence is currently insufficient to determine the role of this variant in disease. Therefore, it has been classified as a Variant of Uncertain Significance. Advanced modeling of protein sequence and biophysical properties (such as structural, functional, and spatial information, amino acid conservation, physicochemical variation, residue mobility, and thermodynamic stability) performed at Invitae indicates that this missense variant is not expected to disrupt GABRA1 protein function. This variant has not been reported in the literature in individuals affected with GABRA1-related conditions. This variant is not present in population databases (gnomAD no frequency). This sequence change replaces leucine, which is neutral and non-polar, with phenylalanine, which is neutral and non-polar, at codon 386 of the GABRA1 protein (p.Leu386Phe).

NM_001127644.2(GABRA1):c.1158A>T (p.Leu386Phe)

Gene: GABRA1 (gamma-aminobutyric acid type A receptor subunit alpha1; plus strand). Cytogenetic location: 5q34.
Variant type: single nucleotide variant.
Coding change: c.1158A>T on transcript NM_001127644.2 (MANE Select); coding-DNA position 1158, A replaced by T.
Protein change: p.Leu386Phe; replaces leucine 386 with phenylalanine.
Molecular consequence: missense variant.
Genome position (GRCh38, 1-based): chr5:161,897,209, A>T. VCF-style: chr5-161897209-A-T. GRCh37 (hg19) VCF-style: chr5-161324215-A-T.
Other names: c.1158A>T, p.Leu386Phe (NM_000806.5, NM_001127643.2, NM_001127645.2 and 1 more transcripts); short protein forms L386F.
Identifiers: ClinVar variation 2940461 (VCV002940461.3), dbSNP rs2532295958, ClinGen allele CA362180775.